The following is an entry in ClinVar:

ClinVar aggregate classification (germline): Uncertain significance (1 of 4 stars; one submission).

Conditions:
Imerslund-Grasbeck syndrome type 1 (IGS1). Also called: Megaloblastic anemia 1, Finnish type; MEGALOBLASTIC ANEMIA, 1; Imerslund-Gräsbeck syndrome 1. Identifiers: MedGen C4016819, MONDO:0100156, OMIM 261100.

Submission:

Dasa
Classification: Uncertain significance for Imerslund-Grasbeck syndrome type 1. Last evaluated: 2025-11-21. Review status: criteria provided, single submitter. Criteria: DASA Assertion Criteria. Collection method: clinical testing. Allele origin: germline.
Comment: NM_001081.4(CUBN):c.7706-6T>C is a splice-region variant. This variant is rare in population databases. Computational prediction algorithms are consistent with a benign effect. The currently available literature and clinical evidence are not sufficient to establish a definitive association between this variant and the reported condition. Therefore, this variant is classified as a variant of uncertain significance.

NM_001081.4(CUBN):c.7706-6T>C

Gene: CUBN (cubilin; minus strand). Cytogenetic location: 10p13.
Variant type: single nucleotide variant.
Coding change: c.7706-6T>C on transcript NM_001081.4 (MANE Select); 6 bases into the intron before coding-DNA position 7706, T replaced by C.
Molecular consequence: intron variant.
Genome position (GRCh38, 1-based): chr10:16,906,415, A>G on the plus strand (T>C on the coding strand, the complement: CUBN is on the minus strand). VCF-style: chr10-16906415-A-G. GRCh37 (hg19) VCF-style: chr10-16948414-A-G.
Identifiers: ClinVar variation 4882526 (VCV004882526.2).
Genomic context (GRCh38, chr10:16,906,415, plus strand): 5'-TAGCCAGGAGAAGTAAAGTTTCCTTCAGGAGTATTTGGAAGAGACCCACCACACACTAAG[A>G]AAACAGAAGGCAACAGAGAAAGTAGTAGTAAGATTCAGGCCACAACGGAAGAGATAAACA-3'